The following is an entry in ClinVar:

NM_000044.6(AR):c.2314A>C (p.Asn772His)

Gene: AR (androgen receptor; plus strand). Cytogenetic location: Xq12.
Variant type: single nucleotide variant.
Coding change: c.2314A>C on transcript NM_000044.6 (MANE Select); coding-DNA position 2314, A replaced by C.
Protein change: p.Asn772His; replaces asparagine 772 with histidine.
Molecular consequence: missense variant.
Genome position (GRCh38, 1-based): chrX:67,717,618, A>C. VCF-style: chrX-67717618-A-C. GRCh37 (hg19) VCF-style: chrX-66937460-A-C.
Other names: c.718A>C, p.Asn240His (NM_001011645.3); short protein forms N772H, N240H.
Identifiers: ClinVar variation 280062 (VCV000280062.4), dbSNP rs886041352, ClinGen allele CA10603629.

ClinVar aggregate classification (germline): Pathogenic (1 of 4 stars; one submission).

Conditions:
Partial androgen insensitivity syndrome (PAIS). Also called: Reifenstein syndrome; ANDROGEN INSENSITIVITY, PARTIAL, WITH OR WITHOUT BREAST CANCER; Gynecomastia, familial; Pseudohermaphroditism, Incomplete male, type I; Reifenstein syndrome, partial; Androgen resistance syndrome, partial. Identifiers: Orphanet 90797, MedGen C0268301, MONDO:0010720, OMIM 312300.

Submission:

GeneDx
Classification: Pathogenic. Last evaluated: 2016-09-09. Review status: criteria provided, single submitter. Criteria: GeneDx Variant Classification (06012015). Collection method: clinical testing. Allele origin: germline. Affected: yes.
Comment: This variant was not observed in approximately 6500 individuals of European and African American ancestry in the NHLBI Exome Sequencing Project, indicating it is not a common benign variant in these populations. The N772H variant is a semi-conservative amino acid substitution, which may impact secondary protein structure as these residues differ in some properties. This substitution occurs at a position that is conserved across species. The N772H variant is located within the ligand binding domain. In silico analysis predicts this variant is probably damaging to the protein structure/function. Additionally, a functional study has shown that this variant (reported as N771H using alternate nomenclature) significantly decreased the dose-response of dihydrotestosterone-induced transactivation activity (Cai et al., 2012). Missense variants in nearby residues (P767A, P767S, D768Y, D768V, D768E, L769V, L769M, L769P, E773G, E773A, Y774H, Y774C, R775C, R775H, R775L) have been reported in the Human Gene Mutation Database in association with Androgen insensitivity syndrome (Stenson et al., 2014), supporting the functional importance of this region of the protein. Therefore, we consider this variant to be pathogenic.